The following is an entry in ClinVar:

NM_004360.5(CDH1):c.1711+5G>T

Gene: CDH1 (cadherin 1; plus strand). Cytogenetic location: 16q22.1.
Variant type: single nucleotide variant.
Coding change: c.1711+5G>T on transcript NM_004360.5 (MANE Select); 5 bases into the intron after coding-DNA position 1711, G replaced by T.
Molecular consequence: intron variant.
Genome position (GRCh38, 1-based): chr16:68,819,430, G>T. VCF-style: chr16-68819430-G-T. GRCh37 (hg19) VCF-style: chr16-68853333-G-T.
Other names: c.-254-2571G>T (NM_001317186.2); c.1528+5G>T (NM_001317184.2); c.163+5G>T (NM_001317185.2).
Identifiers: ClinVar variation 3998778 (VCV003998778.2).

ClinVar aggregate classification (germline): Likely pathogenic (1 of 4 stars; one submission).

Conditions:
Hereditary cancer-predisposing syndrome. Also called: Neoplastic Syndromes, Hereditary; Tumor predisposition; Hereditary Cancer Syndrome; Hereditary neoplastic syndrome. Identifiers: Orphanet 140162, MedGen C0027672, MeSH D009386, MONDO:0015356.

Submission:

Ambry Genetics
Classification: Likely pathogenic for Hereditary cancer-predisposing syndrome. Last evaluated: 2026-08-28. Review status: criteria provided, single submitter. Criteria: Ambry Variant Classification Scheme 2023. Collection method: clinical testing. Allele origin: germline.
Comment: The c.1711+5G>T intronic variant results from a G to T substitution 5 nucleotides after coding exon 11 in the CDH1 gene. This nucleotide position is not well conserved in available vertebrate species. In silico splice site analysis predicts that this alteration will not have any significant effect on splicing; however, RNA studies have demonstrated that this variant results in abnormal splicing in the set of samples tested (Ambry internal data). Other variants impacting the same donor site (c.1711G>A, c.1711+5G>A) have been shown to have a similar impact on splicing in individuals with features consistent with CDH1-related diffuse gastric and lobular breast cancer (DGLBC) (Brooks-Wilson AR et al. J Med Genet. 2004 Jul;41(7):508-17 (referred to as IVS11+5G>A); Ambry internal data). Based on the majority of available evidence to date, this variant is likely to be pathogenic.